The following is an entry in ClinVar:

ClinVar aggregate classification (germline): Uncertain significance (1 of 4 stars; one submission).

Conditions:
RTN2-related disorder. Also called: RTN2-related condition.

Allele frequency attached by ClinVar (database versions not stated): gnomAD exomes 0.00001; TOPMed 0.00001.
gnomAD v4.1: 3 of 1,613,928 alleles (0.00019%); highest among the groups gnomAD compares: Admixed American, 0.0033%; no homozygotes.

Submission:

PreventionGenetics, part of Exact Sciences
Classification: Uncertain significance for RTN2-related condition. Last evaluated: 2023-05-18. Review status: criteria provided, single submitter. Criteria: ACMG Guidelines, 2015. Collection method: clinical testing. Allele origin: germline.
Comment: The RTN2 c.443G>T variant is predicted to result in the amino acid substitution p.Gly148Val. To our knowledge, this variant has not been reported in the literature. This variant is reported in 0.0058% of alleles in individuals of Latino descent in gnomAD. At this time, the clinical significance of this variant is uncertain due to the absence of conclusive functional and genetic evidence.

NM_005619.5(RTN2):c.443G>T (p.Gly148Val)

Genes: OPA3-RTN2 (OPA3-RTN2 readthrough; minus strand), RTN2 (reticulon 2; minus strand). Cytogenetic location: 19q13.32.
Variant type: single nucleotide variant.
Coding change: c.443G>T on transcript NM_005619.5 (MANE Select); coding-DNA position 443, G replaced by T.
Protein change: p.Gly148Val; replaces glycine 148 with valine.
Molecular consequence: missense variant.
Genome position (GRCh38, 1-based): chr19:45,494,642, C>A on the plus strand (G>T on the coding strand, the complement: RTN2 is on the minus strand). VCF-style: chr19-45494642-C-A. GRCh37 (hg19) VCF-style: chr19-45997900-C-A.
Other names: c.443G>T, p.Gly148Val (NM_206900.3); short protein forms G148V.
Identifiers: ClinVar variation 2635755 (VCV002635755.1), dbSNP rs922734559, ClinGen allele CA308955089.